The following is an entry in ClinVar:

ClinVar aggregate classification (germline): Uncertain significance (1 of 4 stars; one submission).

Conditions:
PPP2R1A-related disorder.

gnomAD v4.1: 2 of 1,614,098 alleles (0.00012%); highest among the groups gnomAD compares: Non-Finnish European, 0.00017%; no homozygotes.

Submission:

PreventionGenetics, part of Exact Sciences
Classification: Uncertain significance for PPP2R1A-related condition. Last evaluated: 2026-01-21. Review status: criteria provided, single submitter. Criteria: ACMG Guidelines, 2015. Collection method: clinical testing. Allele origin: germline.
Comment: The PPP2R1A c.1439C>T variant is predicted to result in the amino acid substitution p.Ala480Val. To our knowledge, this variant has not been reported in the literature or in a large population database (gnomAD), indicating this variant is rare. At this time, the clinical significance of this variant is uncertain due to the absence of conclusive functional and genetic evidence.

NM_014225.6(PPP2R1A):c.1439C>T (p.Ala480Val)

Gene: PPP2R1A (protein phosphatase 2 scaffold subunit Aalpha; plus strand). Cytogenetic location: 19q13.41.
Variant type: single nucleotide variant.
Coding change: c.1439C>T on transcript NM_014225.6 (MANE Select); coding-DNA position 1439, C replaced by T.
Protein change: p.Ala480Val; replaces alanine 480 with valine.
Molecular consequence: missense variant. On other transcripts: non-coding transcript variant (1).
Genome position (GRCh38, 1-based): chr19:52,221,054, C>T. VCF-style: chr19-52221054-C-T. GRCh37 (hg19) VCF-style: chr19-52724307-C-T.
Other names: c.902C>T, p.Ala301Val (NM_001363656.2); short protein forms A301V, A480V.
Identifiers: ClinVar variation 4986991 (VCV004986991.1).